The following is an entry in ClinVar:

NM_000245.4(MET):c.2224C>A (p.Pro742Thr)

Gene: MET (MET proto-oncogene, receptor tyrosine kinase; plus strand). Cytogenetic location: 7q31.2.
Variant type: single nucleotide variant.
Coding change: c.2224C>A on transcript NM_000245.4 (MANE Select); coding-DNA position 2224, C replaced by A.
Protein change: p.Pro742Thr; replaces proline 742 with threonine.
Molecular consequence: missense variant.
Genome position (GRCh38, 1-based): chr7:116,758,580, C>A. VCF-style: chr7-116758580-C-A. GRCh37 (hg19) VCF-style: chr7-116398634-C-A.
Other names: c.2224C>A, p.Pro742Thr (NM_001127500.3, NM_001324401.3); c.934C>A, p.Pro312Thr (NM_001324402.2); short protein forms P742T, P312T.
Identifiers: ClinVar variation 1787972 (VCV001787972.2), dbSNP rs2485721372, ClinGen allele CA368980787.
Genomic context (GRCh38, chr7:116,758,580, plus strand): 5'-GTTAAATTGAAAATTGACTTAGCCAACCGAGAGACAAGCATCTTCAGTTACCGTGAAGAT[C>A]CCATTGTCTATGAAATTCATCCAACCAAATCTTTTATTAGGTAAGTAGAAGCTTCTGATG-3'
Protein context (NP_000236.2, residues 732-752): ETSIFSYRED[Pro742Thr]IVYEIHPTKS

ClinVar aggregate classification (germline): Uncertain significance (1 of 4 stars; one submission).

Conditions:
Hereditary cancer-predisposing syndrome. Also called: Neoplastic Syndromes, Hereditary; Tumor predisposition; Hereditary Cancer Syndrome; Hereditary neoplastic syndrome. Identifiers: Orphanet 140162, MedGen C0027672, MeSH D009386, MONDO:0015356.

Submission:

Ambry Genetics
Classification: Uncertain significance for Hereditary cancer-predisposing syndrome. Last evaluated: 2021-01-08. Review status: criteria provided, single submitter. Criteria: Ambry Variant Classification Scheme 2023. Collection method: clinical testing. Allele origin: germline.
Comment: The p.P742T variant (also known as c.2224C>A), located in coding exon 8 of the MET gene, results from a C to A substitution at nucleotide position 2224. The proline at codon 742 is replaced by threonine, an amino acid with highly similar properties. This amino acid position is highly conserved in available vertebrate species. In addition, the in silico prediction for this alteration is inconclusive. Since supporting evidence is limited at this time, the clinical significance of this alteration remains unclear.